The following is an entry in ClinVar:

NM_001365276.2(TNXB):c.7253C>T (p.Thr2418Ile)

Gene: TNXB (tenascin XB; minus strand). Cytogenetic location: 6p21.33.
Variant type: single nucleotide variant.
Coding change: c.7253C>T on transcript NM_001365276.2 (MANE Select); coding-DNA position 7253, C replaced by T.
Protein change: p.Thr2418Ile; replaces threonine 2418 with isoleucine.
Molecular consequence: missense variant.
Genome position (GRCh38, 1-based): chr6:32,061,636, G>A on the plus strand (C>T on the coding strand, the complement: TNXB is on the minus strand). VCF-style: chr6-32061636-G-A. GRCh37 (hg19) VCF-style: chr6-32029413-G-A.
Other names: p.Thr2418Ile; c.7253C>T, p.Thr2418Ile (NM_019105.8); short protein forms T2418I.
Identifiers: ClinVar variation 1254905 (VCV001254905.6), dbSNP rs769498174, ClinGen allele CA3734204.

ClinVar aggregate classification (germline): Uncertain significance. Review status: criteria provided, multiple submitters, no conflicts (2 of 4 stars). 4 submissions from 4 submitters: Uncertain significance (4). Last evaluated 2025-09-17.

Conditions:
Cardiovascular phenotype. Identifiers: MedGen CN230736.

Allele frequency attached by ClinVar (database versions not stated): ExAC 0.00003; gnomAD 0.00003 and 0.00004; gnomAD exomes 0.00004 and 0.00005.

Submissions (4):

Mayo Clinic Laboratories, Mayo Clinic
Classification: Uncertain significance. Last evaluated: 2025-09-17. Review status: criteria provided, single submitter. Criteria: ACMG Guidelines, 2015. Collection method: clinical testing. Allele origin: germline. Observed: 1 variant allele.
Comment: BP4_moderate

Women's Health and Genetics/Laboratory Corporation of America, LabCorp
Classification: Uncertain significance. Last evaluated: 2025-03-17. Review status: criteria provided, single submitter. Criteria: LabCorp Variant Classification Summary - May 2015. Collection method: clinical testing. Allele origin: germline.
Comment: Variant summary: TNXB c.7253C>T (p.Thr2418Ile) results in a non-conservative amino acid change in the encoded protein sequence. Three of five in-silico tools predict a benign effect of the variant on protein function. The variant allele was found at a frequency of 3.7e-05 in 244952 control chromosomes. The available data on variant occurrences in the general population are insufficient to allow any conclusion about variant significance. c.7253C>T has been reported in the literature in a fetus affected with a pelvic kidney and left polycystic dysplastic kidney (Chen_2020). These report(s) do not provide unequivocal conclusions about association of the variant with Ehlers-Danlos syndrome due to tenascin-X deficiency. To our knowledge, no experimental evidence demonstrating an impact on protein function has been reported. The following publication have been ascertained in the context of this evaluation (PMID: 32502767). ClinVar contains an entry for this variant (Variation ID: 1254905). Based on the evidence outlined above, the variant was classified as uncertain significance.

Ambry Genetics
Classification: Uncertain significance for Cardiovascular phenotype. Last evaluated: 2021-10-20. Review status: criteria provided, single submitter. Criteria: Ambry Variant Classification Scheme 2023. Collection method: clinical testing. Allele origin: germline.
Comment: The p.T2418I variant (also known as c.7253C>T), located in coding exon 20 of the TNXB gene, results from a C to T substitution at nucleotide position 7253. The threonine at codon 2418 is replaced by isoleucine, an amino acid with similar properties. This alteration has been reported in a prenatal case with polycystic dysplastic kidney and was found to be in trans with an additional alteration in TNXB (Chen M et al. Eur J Obstet Gynecol Reprod Biol, 2020 Aug;251:119-124). This amino acid position is not well conserved in available vertebrate species. In addition, this alteration is predicted to be tolerated by in silico analysis. Since supporting evidence is limited at this time, the clinical significance of this alteration remains unclear.

GeneDx
Classification: Uncertain significance. Last evaluated: 2021-07-12. Review status: criteria provided, single submitter. Criteria: GeneDx Variant Classification Process June 2021. Collection method: clinical testing. Allele origin: germline. Affected: yes.
Comment: Has been reported as a variant of uncertain significance in a fetus with a pelvic kidney and left polycystic dysplastic kidney (Chen et al., 2020); furthermore, the variant was seen in trans with the TNXB P793R variant.; In silico analysis, which includes protein predictors and evolutionary conservation, supports a deleterious effect; This variant is associated with the following publications: (PMID: 32502767, 27535533)

Literature cited by the submitters: PubMed 32502767 (cited by 3 submitters).